The following is an entry in ClinVar:

NM_145290.4(ADGRA3):c.3035T>C (p.Phe1012Ser)

Gene: ADGRA3 (adhesion G protein-coupled receptor A3; minus strand). Cytogenetic location: 4p15.2.
Variant type: single nucleotide variant.
Coding change: c.3035T>C on transcript NM_145290.4 (MANE Select); coding-DNA position 3035, T replaced by C.
Protein change: p.Phe1012Ser; replaces phenylalanine 1012 with serine.
Molecular consequence: missense variant.
Genome position (GRCh38, 1-based): chr4:22,388,636, A>G on the plus strand (T>C on the coding strand, the complement: ADGRA3 is on the minus strand). VCF-style: chr4-22388636-A-G. GRCh37 (hg19) VCF-style: chr4-22390259-A-G.
Other names: short protein forms F1012S.
Identifiers: ClinVar variation 3680791 (VCV003680791.2).

ClinVar aggregate classification (germline): Uncertain significance (1 of 4 stars; one submission).

gnomAD v4.1: 8 of 1,614,086 alleles (0.0005%); highest among the groups gnomAD compares: African/African-American, 0.0027%; no homozygotes.

Submission:

Labcorp Genetics (formerly Invitae), Labcorp
Classification: Uncertain significance. Last evaluated: 2024-02-09. Review status: criteria provided, single submitter. Criteria: Invitae Variant Classification Sherloc (09022015). Collection method: clinical testing. Allele origin: germline.
Comment: This sequence change replaces phenylalanine, which is neutral and non-polar, with serine, which is neutral and polar, at codon 1012 of the ADGRA3 protein (p.Phe1012Ser). This variant is not present in population databases (gnomAD no frequency). This variant has not been reported in the literature in individuals affected with ADGRA3-related conditions. An algorithm developed to predict the effect of missense changes on protein structure and function (PolyPhen-2) suggests that this variant is likely to be disruptive. In summary, the available evidence is currently insufficient to determine the role of this variant in disease. Therefore, it has been classified as a Variant of Uncertain Significance.